The following is an entry in ClinVar:

ClinVar aggregate classification (germline): Benign/Likely benign. Review status: criteria provided, multiple submitters, no conflicts (2 of 4 stars). 9 submissions from 9 submitters: Benign (1); Likely benign (7). 1 of the submissions does not count toward it. Last evaluated 2025-12-29.

Conditions:
Lynch syndrome. Identifiers: Orphanet 144, MedGen C4552100, MONDO:0005835. Disease mechanism: loss of function.
MSH6-related disorder. Also called: MSH6-related condition; MSH6-Related disorders.
Hereditary nonpolyposis colorectal neoplasms. Identifiers: MedGen C0009405, MeSH D003123.
Hereditary cancer-predisposing syndrome. Also called: Neoplastic Syndromes, Hereditary; Tumor predisposition; Hereditary Cancer Syndrome; Hereditary neoplastic syndrome. Identifiers: Orphanet 140162, MedGen C0027672, MeSH D009386, MONDO:0015356.
Lynch syndrome 5 (LYNCH5). Also called: Colorectal cancer, hereditary nonpolyposis, type 5; Hereditary non-polyposis colorectal cancer, type 5. Identifiers: Orphanet 144, MedGen C1833477, MONDO:0013710, OMIM 614350. Disease mechanism: loss of function.

Allele frequency attached by ClinVar (database versions not stated): gnomAD exomes below 0.00001; gnomAD 0.00001; TOPMed 0.00002.
gnomAD v4.1: 6 of 1,613,936 alleles (0.00037%); highest among the groups gnomAD compares: Non-Finnish European, 0.00042%; no homozygotes.

Submissions (9):

Labcorp Genetics (formerly Invitae), Labcorp
Classification: Likely benign for Hereditary nonpolyposis colorectal neoplasms. Last evaluated: 2025-12-29. Review status: criteria provided, single submitter. Criteria: Invitae Variant Classification Sherloc (09022015). Collection method: clinical testing. Allele origin: germline.

Center for Genomic Medicine, Rigshospitalet, Copenhagen University Hospital
Classification: Likely benign. Last evaluated: 2025-03-04. Review status: criteria provided, single submitter. Criteria: ACMG Guidelines, 2015. Collection method: clinical testing. Allele origin: germline.

Myriad Genetics, Inc.
Classification: Benign for Lynch syndrome 5. Last evaluated: 2024-12-23. Review status: criteria provided, single submitter. Criteria: Myriad Autosomal Dominant, Autosomal Recessive and X-Linked Classification Criteria (2023). Collection method: clinical testing. Allele origin: unknown.
Comment: This variant is considered benign. This variant is a silent/synonymous amino acid change and it is not expected to impact splicing.

All of Us Research Program, National Institutes of Health
Classification: Likely benign for Lynch syndrome. Last evaluated: 2024-01-11. Review status: criteria provided, single submitter. Criteria: ACMG Guidelines, 2015. Collection method: clinical testing. Allele origin: germline. Inheritance: Autosomal dominant inheritance. Observed: 3 variant alleles, 3 heterozygotes.
Comment: This study involves interpretation of variants in research participants for the purpose of population health screening. Participant phenotype was not available at the time of variant classification. Additional details can be found in publication PMID: 35346344, PMCID: PMC8962531

Women's Health and Genetics/Laboratory Corporation of America, LabCorp
Classification: Likely benign. Last evaluated: 2022-06-23. Review status: criteria provided, single submitter. Criteria: LabCorp Variant Classification Summary - May 2015. Collection method: clinical testing. Allele origin: germline.

GeneDx
Classification: Likely benign. Last evaluated: 2021-09-16. Review status: criteria provided, single submitter. Criteria: GeneDx Variant Classification Process June 2021. Collection method: clinical testing. Allele origin: germline. Affected: yes.
Comment: This variant is associated with the following publications: (PMID: 22495361)

Color Diagnostics, LLC DBA Color Health
Classification: Likely benign for Hereditary cancer-predisposing syndrome. Last evaluated: 2016-01-11. Review status: criteria provided, single submitter. Criteria: ACMG Guidelines, 2015. Collection method: clinical testing. Allele origin: germline.

Ambry Genetics
Classification: Likely benign for Hereditary cancer-predisposing syndrome. Last evaluated: 2014-10-24. Review status: criteria provided, single submitter. Criteria: Ambry Variant Classification Scheme 2023. Collection method: clinical testing. Allele origin: germline.

PreventionGenetics, part of Exact Sciences
Classification: Likely benign for MSH6-related condition. Last evaluated: 2024-08-22. Review status: no assertion criteria provided. Collection method: clinical testing. Allele origin: germline. Not counted in ClinVar's aggregate classification.
Comment: This variant is classified as likely benign based on ACMG/AMP sequence variant interpretation guidelines (Richards et al. 2015 PMID: 25741868, with internal and published modifications).

NM_000179.3(MSH6):c.1275C>A (p.Ile425=)

Gene: MSH6 (mutS homolog 6; plus strand). Cytogenetic location: 2p16.3.
Variant type: single nucleotide variant.
Coding change: c.1275C>A on transcript NM_000179.3 (MANE Select); coding-DNA position 1275, C replaced by A.
Protein change: p.Ile425=; no amino-acid change (isoleucine 425 retained).
Molecular consequence: synonymous variant.
Genome position (GRCh38, 1-based): chr2:47,799,258, C>A. VCF-style: chr2-47799258-C-A. GRCh37 (hg19) VCF-style: chr2-48026397-C-A.
Other names: c.885C>A, p.Ile295= (NM_001281492.2); c.369C>A, p.Ile123= (NM_001281493.2, NM_001281494.2).
Identifiers: ClinVar variation 186660 (VCV000186660.29), dbSNP rs786203122, ClinGen allele CA008420.